The following is an entry in ClinVar:

NM_000551.4(VHL):c.239G>C (p.Ser80Thr)

Gene: VHL (von Hippel-Lindau tumor suppressor; plus strand). Cytogenetic location: 3p25.3.
Variant type: single nucleotide variant.
Coding change: c.239G>C on transcript NM_000551.4 (MANE Select); coding-DNA position 239, G replaced by C.
Protein change: p.Ser80Thr; replaces serine 80 with threonine.
Molecular consequence: missense variant. On other transcripts: non-coding transcript variant (1).
Genome position (GRCh38, 1-based): chr3:10,142,086, G>C. VCF-style: chr3-10142086-G-C. GRCh37 (hg19) VCF-style: chr3-10183770-G-C.
Other names: c.239G>C, p.Ser80Thr (NM_001354723.2, NM_198156.3); short protein forms S80T.
Identifiers: ClinVar variation 4824771 (VCV004824771.1).

ClinVar aggregate classification (germline): Uncertain significance (1 of 4 stars; one submission).

Conditions:
Hereditary cancer-predisposing syndrome. Also called: Neoplastic Syndromes, Hereditary; Hereditary neoplastic syndrome; Tumor predisposition; Hereditary Cancer Syndrome. Identifiers: Orphanet 140162, MedGen C0027672, MeSH D009386, MONDO:0015356.

Submission:

Ambry Genetics
Classification: Uncertain significance for Hereditary cancer-predisposing syndrome. Last evaluated: 2026-02-06. Review status: criteria provided, single submitter. Criteria: Ambry Variant Classification Scheme 2023. Collection method: clinical testing. Allele origin: germline.
Comment: The p.S80T variant (also known as c.239G>C), located in coding exon 1 of the VHL gene, results from a G to C substitution at nucleotide position 239. The serine at codon 80 is replaced by threonine, an amino acid with similar properties. This variant was determined to be functionally neutral in one saturation genome editing assay (Buckley M et al. Nat Genet, 2024 Jul;56:1446-1455). Based on internal structural analysis, this variant is anticipated to result in a significant decrease in structural stability (Ambry internal data). Another variant at the same codon, p.S80G (c.238A>G), has been identified in individual(s) with features consistent with von Hippel-Lindau syndrome (Woodward ER et al. Hum Mol Genet, 1997 Jul;6:1051-6; Assadi F & Brackbill EL. Am J Kidney Dis, 2003 Jan;41(1):E3; Ambry internal data). This amino acid position is well conserved in available vertebrate species. In addition, the in silico prediction for this alteration is inconclusive. Based on the available evidence, the clinical significance of this variant remains unclear.

Literature cited by the submitters: PubMed 38969834.